The following is an entry in ClinVar:

ClinVar aggregate classification (germline): Likely pathogenic (1 of 4 stars; one submission).

Conditions:
Glucose-6-phosphate transport defect (GSD1B). Also called: Glycogen Storage Disease Type Ib; GSD Ib. Identifiers: Orphanet 364, Orphanet 79259, MedGen C0268146, MONDO:0009288, OMIM 232220.

Submission:

Labcorp Genetics (formerly Invitae), Labcorp
Classification: Likely pathogenic for Glucose-6-phosphate transport defect. Last evaluated: 2022-12-06. Review status: criteria provided, single submitter. Criteria: Invitae Variant Classification Sherloc (09022015). Collection method: clinical testing. Allele origin: germline.
Comment: In summary, the currently available evidence indicates that the variant is pathogenic, but additional data are needed to prove that conclusively. Therefore, this variant has been classified as Likely Pathogenic. Algorithms developed to predict the effect of sequence changes on RNA splicing suggest that this variant may disrupt the consensus splice site. ClinVar contains an entry for this variant (Variation ID: 1068037). This variant has not been reported in the literature in individuals affected with SLC37A4-related conditions. This variant is not present in population databases (gnomAD no frequency). This sequence change affects an acceptor splice site in intron 6 of the SLC37A4 gene. It is expected to disrupt RNA splicing. Variants that disrupt the donor or acceptor splice site typically lead to a loss of protein function (PMID: 16199547), and loss-of-function variants in SLC37A4 are known to be pathogenic (PMID: 9758626, 10940311).

Literature cited by the submitters: PubMed 16199547; PubMed 9758626; PubMed 10940311.

NM_001164277.2(SLC37A4):c.786-2A>G

Gene: SLC37A4 (solute carrier family 37 member 4; minus strand). Cytogenetic location: 11q23.3.
Variant type: single nucleotide variant.
Coding change: c.786-2A>G on transcript NM_001164277.2 (MANE Select); the canonical splice acceptor site of the intron before coding-DNA position 786, A replaced by G.
Molecular consequence: splice acceptor variant.
Genome position (GRCh38, 1-based): chr11:119,026,690, T>C on the plus strand (A>G on the coding strand, the complement: SLC37A4 is on the minus strand). VCF-style: chr11-119026690-T-C. GRCh37 (hg19) VCF-style: chr11-118897400-T-C.
Other names: c.786-2A>G (NM_001467.6, NM_001164278.2, NM_001164280.2); c.567-2A>G (NM_001164279.2).
Identifiers: ClinVar variation 1068037 (VCV001068037.7), dbSNP rs2134633880, ClinGen allele CA382900687.